The following is an entry in ClinVar:

ClinVar aggregate classification (germline): Benign (1 of 4 stars; one submission).

Allele frequency attached by ClinVar (database versions not stated): 1000 Genomes Project 30x 0.46971; 1000 Genomes Project 0.47165; TOPMed 0.58380; gnomAD 0.59412 and 0.59678.
gnomAD v4.1: 90,616 of 151,960 alleles (60%); highest among the groups gnomAD compares: Middle Eastern, 81%; 29,700 homozygotes.

Submission:

GeneDx
Classification: Benign. Last evaluated: 2018-06-18. Review status: criteria provided, single submitter. Criteria: GeneDx Variant Classification (06012015). Collection method: clinical testing. Allele origin: germline. Affected: yes.
Comment: This variant is considered likely benign or benign based on one or more of the following criteria: it is a conservative change, it occurs at a poorly conserved position in the protein, it is predicted to be benign by multiple in silico algorithms, and/or has population frequency not consistent with disease.

NM_001999.4(FBN2):c.2303-276G>T

Gene: FBN2 (fibrillin 2; minus strand). Cytogenetic location: 5q23.3.
Variant type: single nucleotide variant.
Coding change: c.2303-276G>T on transcript NM_001999.4 (MANE Select); 276 bases into the intron before coding-DNA position 2303, G replaced by T.
Molecular consequence: intron variant.
Genome position (GRCh38, 1-based): chr5:128,365,001, C>A on the plus strand (G>T on the coding strand, the complement: FBN2 is on the minus strand). VCF-style: chr5-128365001-C-A. GRCh37 (hg19) VCF-style: chr5-127700694-C-A.
Identifiers: ClinVar variation 683527 (VCV000683527.1), dbSNP rs552850, ClinGen allele CA12009933.
Genomic context (GRCh38, chr5:128,365,001, plus strand): 5'-GAAAGACGCTGGCAGAAATTCAAAGAGTTAAATCACGAAATATGCCAGCATTTATGATGA[C>A]ATTAATAAAGACAATTTATAGGCTGTTGGCTCCAAATCCAAAGGAAAACTCGAGTTGATA-3'